The following is an entry in ClinVar:

ClinVar aggregate classification (germline): Uncertain significance (1 of 4 stars; one submission).

Conditions:
EAST syndrome (SESAMES). Also called: SEIZURES, SENSORINEURAL DEAFNESS, ATAXIA, IMPAIRED INTELLECTUAL DEVELOPMENT, AND ELECTROLYTE IMBALANCE. Identifiers: Orphanet 199343, MedGen C2748572, MONDO:0013005, OMIM 612780.

Allele frequency attached by ClinVar (database versions not stated): gnomAD below 0.00001 and 0.00001; gnomAD exomes 0.00001; TOPMed 0.00001.
gnomAD v4.1: 3 of 1,614,092 alleles (0.00019%); highest among the groups gnomAD compares: East Asian, 0.0045%; no homozygotes.

Submission:

Labcorp Genetics (formerly Invitae), Labcorp
Classification: Uncertain significance for SeSAME syndrome. Last evaluated: 2019-12-11. Review status: criteria provided, single submitter. Criteria: Invitae Variant Classification Sherloc (09022015). Collection method: clinical testing. Allele origin: germline.
Comment: This sequence change replaces threonine with isoleucine at codon 293 of the KCNJ10 protein (p.Thr293Ile). The threonine residue is highly conserved and there is a moderate physicochemical difference between threonine and isoleucine. This variant is not present in population databases (ExAC no frequency). This variant has not been reported in the literature in individuals with KCNJ10-related conditions. Algorithms developed to predict the effect of missense changes on protein structure and function are either unavailable or do not agree on the potential impact of this missense change (SIFT: "Tolerated"; PolyPhen-2: "Possibly Damaging"; Align-GVGD: "Class C0"). In summary, the available evidence is currently insufficient to determine the role of this variant in disease. Therefore, it has been classified as a Variant of Uncertain Significance.

NM_002241.5(KCNJ10):c.878C>T (p.Thr293Ile)

Gene: KCNJ10 (potassium inwardly rectifying channel subfamily J member 10; minus strand). Cytogenetic location: 1q23.2.
Variant type: single nucleotide variant.
Coding change: c.878C>T on transcript NM_002241.5 (MANE Select); coding-DNA position 878, C replaced by T.
Protein change: p.Thr293Ile; replaces threonine 293 with isoleucine.
Molecular consequence: missense variant.
Genome position (GRCh38, 1-based): chr1:160,041,655, G>A on the plus strand (C>T on the coding strand, the complement: KCNJ10 is on the minus strand). VCF-style: chr1-160041655-G-A. GRCh37 (hg19) VCF-style: chr1-160011445-G-A.
Other names: short protein forms T293I.
Identifiers: ClinVar variation 849201 (VCV000849201.3), dbSNP rs1390924910, ClinGen allele CA343224197.